The following is an entry in ClinVar:

ClinVar aggregate classification (germline): Uncertain significance (1 of 4 stars; one submission).

Conditions:
Werner syndrome (WRN). Identifiers: Orphanet 902, MedGen C0043119, MONDO:0010196, OMIM 277700.

Allele frequency attached by ClinVar (database versions not stated): gnomAD 0.00001; gnomAD exomes 0.00001; TOPMed 0.00001.
gnomAD v4.1: 17 of 1,614,042 alleles (0.0011%); highest among the groups gnomAD compares: African/African-American, 0.0013%; no homozygotes.

Submission:

Labcorp Genetics (formerly Invitae), Labcorp
Classification: Uncertain significance for Werner syndrome. Last evaluated: 2023-04-11. Review status: criteria provided, single submitter. Criteria: Invitae Variant Classification Sherloc (09022015). Collection method: clinical testing. Allele origin: germline.
Comment: In summary, the available evidence is currently insufficient to determine the role of this variant in disease. Therefore, it has been classified as a Variant of Uncertain Significance. An algorithm developed to predict the effect of missense changes on protein structure and function (PolyPhen-2) suggests that this variant is likely to be disruptive. ClinVar contains an entry for this variant (Variation ID: 1011321). This variant has not been reported in the literature in individuals affected with WRN-related conditions. This variant is present in population databases (no rsID available, gnomAD 0.01%). This sequence change replaces lysine, which is basic and polar, with glutamine, which is neutral and polar, at codon 742 of the WRN protein (p.Lys742Gln).

NM_000553.6(WRN):c.2224A>C (p.Lys742Gln)

Gene: WRN (WRN RecQ like helicase; plus strand). Cytogenetic location: 8p12.
Variant type: single nucleotide variant.
Coding change: c.2224A>C on transcript NM_000553.6 (MANE Select); coding-DNA position 2224, A replaced by C.
Protein change: p.Lys742Gln; replaces lysine 742 with glutamine.
Molecular consequence: missense variant.
Genome position (GRCh38, 1-based): chr8:31,111,750, A>C. VCF-style: chr8-31111750-A-C. GRCh37 (hg19) VCF-style: chr8-30969266-A-C.
Other names: short protein forms K742Q.
Identifiers: ClinVar variation 1011321 (VCV001011321.5), dbSNP rs1294260404, ClinGen allele CA370912836.